The following is an entry in ClinVar:

ClinVar aggregate classification (germline): Uncertain significance. Review status: criteria provided, multiple submitters, no conflicts (2 of 4 stars). 3 submissions from 3 submitters: Uncertain significance (3). Last evaluated 2024-07-01.

Conditions:
Cardiomyopathy (CMYO). Also called: Cardiomyopathies. Identifiers: Orphanet 167848, MedGen C0878544, MONDO:0004994, HP:0001638. Inheritance: Various modes of inheritance.
Lethal congenital glycogen storage disease of heart. Also called: GLYCOGEN STORAGE DISEASE OF HEART; PHOSPHORYLASE KINASE DEFICIENCY OF HEART. Identifiers: Orphanet 439854, MedGen C1849813, MONDO:0009867, OMIM 261740.

Allele frequency attached by ClinVar (database versions not stated): gnomAD exomes below 0.00001.
gnomAD v4.1: 4 of 1,602,192 alleles (0.00025%); highest among the groups gnomAD compares: Non-Finnish European, 0.00034%; no homozygotes.

Submissions (3):

Labcorp Genetics (formerly Invitae), Labcorp
Classification: Uncertain significance for Lethal congenital glycogen storage disease of heart. Last evaluated: 2024-07-01. Review status: criteria provided, single submitter. Criteria: Invitae Variant Classification Sherloc (09022015). Collection method: clinical testing. Allele origin: germline.
Comment: This sequence change replaces threonine, which is neutral and polar, with isoleucine, which is neutral and non-polar, at codon 357 of the PRKAG2 protein (p.Thr357Ile). This variant is present in population databases (no rsID available, gnomAD 0.0009%). This variant has not been reported in the literature in individuals affected with PRKAG2-related conditions. ClinVar contains an entry for this variant (Variation ID: 925872). Advanced modeling of protein sequence and biophysical properties (such as structural, functional, and spatial information, amino acid conservation, physicochemical variation, residue mobility, and thermodynamic stability) performed at Invitae indicates that this missense variant is not expected to disrupt PRKAG2 protein function with a negative predictive value of 95%. This variant disrupts the p.Thr357 amino acid residue in PRKAG2. Other variant(s) that disrupt this residue have been determined to be pathogenic (Invitae). This suggests that this residue is clinically significant, and that variants that disrupt this residue are likely to be disease-causing. In summary, the available evidence is currently insufficient to determine the role of this variant in disease. Therefore, it has been classified as a Variant of Uncertain Significance.

Color Diagnostics, LLC DBA Color Health
Classification: Uncertain significance for Cardiomyopathy. Last evaluated: 2022-07-01. Review status: criteria provided, single submitter. Criteria: ACMG Guidelines, 2015. Collection method: clinical testing. Allele origin: germline.
Comment: This missense variant replaces threonine with isoleucine at codon 357 of the PRKAG2 protein. Computational prediction is inconclusive regarding the impact of this variant on protein structure and function (internally defined REVEL score threshold 0.5 < inconclusive < 0.7, PMID: 27666373). To our knowledge, functional studies have not been reported for this variant. This variant has not been reported in individuals affected with cardiovascular disorders in the literature. This variant has been identified in 1/249168 chromosomes in the general population by the Genome Aggregation Database (gnomAD). The available evidence is insufficient to determine the role of this variant in disease conclusively. Therefore, this variant is classified as a Variant of Uncertain Significance.

GeneDx
Classification: Uncertain significance. Last evaluated: 2019-07-10. Review status: criteria provided, single submitter. Criteria: GeneDx Variant Classification Process June 2021. Collection method: clinical testing. Allele origin: germline. Affected: yes.
Comment: Has not been previously published as pathogenic or benign to our knowledge; Not observed at a significant frequency in large population cohorts (Lek et al., 2016); In silico analysis, which includes protein predictors and evolutionary conservation, supports a deleterious effect

NM_016203.4(PRKAG2):c.1070C>T (p.Thr357Ile)

Gene: PRKAG2 (protein kinase AMP-activated non-catalytic subunit gamma 2; minus strand). Cytogenetic location: 7q36.1.
Variant type: single nucleotide variant.
Coding change: c.1070C>T on transcript NM_016203.4 (MANE Select); coding-DNA position 1070, C replaced by T.
Protein change: p.Thr357Ile; replaces threonine 357 with isoleucine.
Molecular consequence: missense variant.
Genome position (GRCh38, 1-based): chr7:151,570,207, G>A on the plus strand (C>T on the coding strand, the complement: PRKAG2 is on the minus strand). VCF-style: chr7-151570207-G-A. GRCh37 (hg19) VCF-style: chr7-151267293-G-A.
Other names: c.938C>T, p.Thr313Ile (NM_001040633.2); c.695C>T, p.Thr232Ile (NM_001304527.2); c.347C>T, p.Thr116Ile (NM_001304531.2, NM_024429.2); c.698C>T, p.Thr233Ile (NM_001363698.2); c.1070C>T (NM_016203.3); short protein forms T313I, T116I, T357I, T232I, T233I.
Identifiers: ClinVar variation 925872 (VCV000925872.11), dbSNP rs1227002684, ClinGen allele CA370071780.